The following is an entry in ClinVar:

ClinVar aggregate classification (germline): Pathogenic (1 of 4 stars; one submission).

Conditions:
Primary ciliary dyskinesia. Also called: Ciliary dyskinesia. Identifiers: Orphanet 244, MedGen C0008780, MONDO:0016575, HP:0012265.

Submission:

Labcorp Genetics (formerly Invitae), Labcorp
Classification: Pathogenic for Primary ciliary dyskinesia. Last evaluated: 2023-02-03. Review status: criteria provided, single submitter. Criteria: Invitae Variant Classification Sherloc (09022015). Collection method: clinical testing. Allele origin: germline.
Comment: This sequence change creates a premature translational stop signal (p.Lys414Argfs*53) in the DNAI1 gene. It is expected to result in an absent or disrupted protein product. Loss-of-function variants in DNAI1 are known to be pathogenic (PMID: 16858015, 29363216). This variant is not present in population databases (gnomAD no frequency). This variant has not been reported in the literature in individuals affected with DNAI1-related conditions. For these reasons, this variant has been classified as Pathogenic.

Literature cited by the submitters: PubMed 16858015; PubMed 29363216.

NM_012144.4(DNAI1):c.1239del (p.Lys414fs)

Gene: DNAI1 (dynein axonemal intermediate chain 1; plus strand). Cytogenetic location: 9p13.3.
Variant type: Deletion.
Coding change: c.1239del on transcript NM_012144.4 (MANE Select); coding-DNA position 1239, one base deleted (C; older notation c.1239delC).
Protein change: p.Lys414fs; shifts the reading frame from lysine 414.
Molecular consequence: frameshift variant.
Genome position (GRCh38, 1-based): chr9:34,506,802, C deleted. VCF-style (leftmost placement, unchanged base first): chr9-34506801-TC-T. GRCh37 (hg19) VCF-style: chr9-34506799-TC-T.
Other names: c.1251del, p.Lys418fs (NM_001281428.2); short protein forms K414fs, K418fs.
Identifiers: ClinVar variation 2834078 (VCV002834078.3), dbSNP rs2492096070, ClinGen allele CA2739269222.